The following is an entry in ClinVar:

NM_025074.7(FRAS1):c.5070T>C (p.Asp1690=)

Gene: FRAS1 (Fraser extracellular matrix complex subunit 1; plus strand). Cytogenetic location: 4q21.21.
Variant type: single nucleotide variant.
Coding change: c.5070T>C on transcript NM_025074.7 (MANE Select); coding-DNA position 5070, T replaced by C.
Protein change: p.Asp1690=; no amino-acid change (aspartic acid 1690 retained).
Molecular consequence: synonymous variant.
Genome position (GRCh38, 1-based): chr4:78,432,457, T>C. VCF-style: chr4-78432457-T-C. GRCh37 (hg19) VCF-style: chr4-79353611-T-C.
Other names: c.5070T>C, p.Asp1690= (NM_001166133.2).
Identifiers: ClinVar variation 4985190 (VCV004985190.1).

ClinVar aggregate classification (germline): Likely benign (1 of 4 stars; one submission).

Conditions:
FRAS1-related disorder. Also called: FRAS1-related condition.

gnomAD v4.1: 4 of 1,613,392 alleles (0.00025%); highest among the groups gnomAD compares: Non-Finnish European, 0.00034%; no homozygotes.

Submission:

PreventionGenetics, part of Exact Sciences
Classification: Likely benign for FRAS1-related condition. Last evaluated: 2026-09-10. Review status: criteria provided, single submitter. Criteria: ACMG Guidelines, 2015. Collection method: clinical testing. Allele origin: germline.
Comment: This variant is classified as likely benign based on ACMG/AMP sequence variant interpretation guidelines (Richards et al. 2015 PMID: 25741868, with internal and published modifications).